The following is an entry in ClinVar:

NM_001253.4(CDC5L):c.66G>A (p.Ala22=)

Gene: CDC5L (cell division cycle 5 like; plus strand). Cytogenetic location: 6p21.1.
Variant type: single nucleotide variant.
Coding change: c.66G>A on transcript NM_001253.4 (MANE Select); coding-DNA position 66, G replaced by A.
Protein change: p.Ala22=; no amino-acid change (alanine 22 retained).
Molecular consequence: synonymous variant.
Genome position (GRCh38, 1-based): chr6:44,390,288, G>A. VCF-style: chr6-44390288-G-A. GRCh37 (hg19) VCF-style: chr6-44358025-G-A.
Identifiers: ClinVar variation 3043958 (VCV003043958.2), dbSNP rs11571911, ClinGen allele CA3835145.
Genomic context (GRCh38, chr6:44,390,288, plus strand): 5'-AGTTTTGTGACTGAATGTACTCTTTGGCAATTTTTTTTAGGATGAAATTCTGAAAGCAGC[G>A]GTAATGAAATATGGGAAAAATCAGTGGTCTAGGATTGCCTCATTGCTGCATAGAAAATCA-3'
Protein context (NP_001244.1, residues 12-32): RNTEDEILKA[Ala22=]VMKYGKNQWS

ClinVar aggregate classification (germline): Likely benign (0 of 4 stars; one submission).

Conditions:
CDC5L-related disorder. Also called: CDC5L-related condition.

Allele frequency attached by ClinVar (database versions not stated): gnomAD exomes 0.00018; ExAC 0.00049; ESP Exome Variant Server 0.00161; gnomAD 0.00162; 1000 Genomes Project 0.00180; TOPMed 0.00180; 1000 Genomes Project 30x 0.00203.
gnomAD v4.1: 522 of 1,612,514 alleles (0.032%); highest among the groups gnomAD compares: African/African-American, 0.59%; 1 homozygote.

Submission:

PreventionGenetics, part of Exact Sciences
Classification: Likely benign for CDC5L-related condition. Last evaluated: 2019-06-04. Review status: no assertion criteria provided. Collection method: clinical testing. Allele origin: germline.
Comment: This variant is classified as likely benign based on ACMG/AMP sequence variant interpretation guidelines (Richards et al. 2015 PMID: 25741868, with internal and published modifications).